The following is an entry in ClinVar:

ClinVar aggregate classification (germline): Uncertain significance (1 of 4 stars; one submission).

Submission:

Ambry Genetics
Classification: Uncertain significance. Last evaluated: 2022-01-08. Review status: criteria provided, single submitter. Criteria: Ambry Variant Classification Scheme 2023. Collection method: clinical testing. Allele origin: germline.
Comment: The p.E1202Q variant (also known as c.3604G>C), located in coding exon 4 of the ALPK2 gene, results from a G to C substitution at nucleotide position 3604. The glutamic acid at codon 1202 is replaced by glutamine, an amino acid with highly similar properties. This amino acid position is conserved. In addition, this alteration is predicted to be tolerated by in silico analysis. Since supporting evidence is limited at this time, the clinical significance of this alteration remains unclear.

NM_052947.4(ALPK2):c.3604G>C (p.Glu1202Gln)

Gene: ALPK2 (alpha kinase 2; minus strand). Cytogenetic location: 18q21.31.
Variant type: single nucleotide variant.
Coding change: c.3604G>C on transcript NM_052947.4 (MANE Select); coding-DNA position 3604, G replaced by C.
Protein change: p.Glu1202Gln; replaces glutamic acid 1202 with glutamine.
Molecular consequence: missense variant.
Genome position (GRCh38, 1-based): chr18:58,536,583, C>G on the plus strand (G>C on the coding strand, the complement: ALPK2 is on the minus strand). VCF-style: chr18-58536583-C-G. GRCh37 (hg19) VCF-style: chr18-56203815-C-G.
Other names: short protein forms E1202Q.
Identifiers: ClinVar variation 1733141 (VCV001733141.2), dbSNP rs2518876242, ClinGen allele CA402566380.